The following is an entry in ClinVar:

NM_198253.3(TERT):c.1963A>C (p.Thr655Pro)

Gene: TERT (telomerase reverse transcriptase; minus strand). Cytogenetic location: 5p15.33.
Variant type: single nucleotide variant.
Coding change: c.1963A>C on transcript NM_198253.3 (MANE Select); coding-DNA position 1963, A replaced by C.
Protein change: p.Thr655Pro; replaces threonine 655 with proline.
Molecular consequence: missense variant. On other transcripts: non-coding transcript variant (2).
Genome position (GRCh38, 1-based): chr5:1,279,458, T>G on the plus strand (A>C on the coding strand, the complement: TERT is on the minus strand). VCF-style: chr5-1279458-T-G. GRCh37 (hg19) VCF-style: chr5-1279573-T-G.
Other names: c.1963A>C, p.Thr655Pro (NM_001193376.3); short protein forms T655P.
Identifiers: ClinVar variation 3805798 (VCV003805798.1).

ClinVar aggregate classification (germline): Uncertain significance (1 of 4 stars; one submission).

Conditions:
Dyskeratosis congenita. Identifiers: Orphanet 1775, MedGen C0265965, MONDO:0015780.

Submission:

Ambry Genetics
Classification: Uncertain significance for Dyskeratosis congenita. Last evaluated: 2025-02-24. Review status: criteria provided, single submitter. Criteria: Ambry Variant Classification Scheme 2023. Collection method: clinical testing. Allele origin: germline.
Comment: The p.T655P variant (also known as c.1963A>C), located in coding exon 5 of the TERT gene, results from an A to C substitution at nucleotide position 1963. The threonine at codon 655 is replaced by proline, an amino acid with highly similar properties. This amino acid position is conserved. In addition, the in silico prediction for this alteration is inconclusive. Based on the available evidence, the clinical significance of this variant remains unclear.